The following is an entry in ClinVar:

NM_000256.3(MYBPC3):c.94G>A (p.Glu32Lys)

Gene: MYBPC3 (myosin binding protein C3; minus strand). Cytogenetic location: 11p11.2.
Variant type: single nucleotide variant.
Coding change: c.94G>A on transcript NM_000256.3 (MANE Select); coding-DNA position 94, G replaced by A.
Protein change: p.Glu32Lys; replaces glutamic acid 32 with lysine.
Molecular consequence: missense variant.
Genome position (GRCh38, 1-based): chr11:47,351,437, C>T on the plus strand (G>A on the coding strand, the complement: MYBPC3 is on the minus strand). VCF-style: chr11-47351437-C-T. GRCh37 (hg19) VCF-style: chr11-47372988-C-T.
Other names: c.94G>A, p.Glu32Lys (LRG_386t1); short protein forms E32K.
Identifiers: ClinVar variation 180981 (VCV000180981.25), dbSNP rs730880575, ClinGen allele CA016177.

ClinVar aggregate classification (germline): Conflicting classifications of pathogenicity. Review status: criteria provided, conflicting classifications (1 of 4 stars). 7 submissions from 7 submitters: Uncertain significance (3); Likely benign (4). Last evaluated 2026-01-25.

Conditions:
Cardiovascular phenotype. Identifiers: MedGen CN230736.
Cardiomyopathy (CMYO). Also called: Cardiomyopathies. Identifiers: Orphanet 167848, MedGen C0878544, MONDO:0004994, HP:0001638. Inheritance: Various modes of inheritance.
Hypertrophic cardiomyopathy. Also called: HYPERTROPHIC MYOCARDIOPATHY. Identifiers: Orphanet 217569, MedGen C0007194, MeSH D002312, MONDO:0005045, HP:0001639.

Allele frequency attached by ClinVar (database versions not stated): gnomAD 0.00006; TOPMed 0.00006.

Submissions (7):

Labcorp Genetics (formerly Invitae), Labcorp
Classification: Likely benign for Hypertrophic cardiomyopathy. Last evaluated: 2026-01-25. Review status: criteria provided, single submitter. Criteria: Invitae Variant Classification Sherloc (09022015). Collection method: clinical testing. Allele origin: germline.

All of Us Research Program, National Institutes of Health
Classification: Uncertain significance for Hypertrophic cardiomyopathy. Last evaluated: 2024-09-23. Review status: criteria provided, single submitter. Criteria: ACMG Guidelines, 2015. Collection method: clinical testing. Allele origin: germline. Inheritance: Autosomal dominant inheritance. Observed: 39 variant alleles, 39 heterozygotes.
Comment: This missense variant replaces glutamic acid with lysine at codon 32 of the MYBPC3 protein. Computational prediction suggests that this variant may not impact protein structure and function (internally defined REVEL score threshold <= 0.5, PMID: 27666373). To our knowledge, functional studies have not been reported for this variant. This variant has been reported in three individuals affected with hypertrophic cardiomyopathy in one family (PMID: 26497160). Two of them also carried a pathogenic variant in the MYL2 gene that could explain the observed phenotype. This variant has been identified in 43/272046 chromosomes (40/34794 Latino chromosomes) in the general population by the Genome Aggregation Database (gnomAD). The relatively high frequency of this variant in the general population suggests that this variant is unlikely to be disease-causing. However, additional studies are necessary to determine the role of this variant in disease conclusively. Therefore, this variant is classified as a Variant of Uncertain Significance.

This study involves interpretation of variants in research participants for the purpose of population health screening. Participant phenotype was not available at the time of variant classification. Additional details can be found in publication PMID: 35346344, PMCID: PMC8962531

Color Diagnostics, LLC DBA Color Health
Classification: Uncertain significance for Cardiomyopathy. Last evaluated: 2023-11-15. Review status: criteria provided, single submitter. Criteria: ACMG Guidelines, 2015. Collection method: clinical testing. Allele origin: germline.
Comment: This missense variant replaces glutamic acid with lysine at codon 32 of the MYBPC3 protein. Computational prediction tool indicates that this variant has an uncertain impact on protein structure and function. To our knowledge, functional studies have not been reported for this variant. This variant has been reported in three individuals affected with hypertrophic cardiomyopathy in one family (PMID: 26497160). Two of them also carried a pathogenic variant in the MYL2 gene that could explain the observed phenotype. This variant has been identified in 43/272046 chromosomes (40/34794 Latino chromosomes) in the general population by the Genome Aggregation Database (gnomAD). The relatively high frequency of this variant in the general population suggests that this variant is unlikely to be disease-causing. However, additional studies are necessary to determine the role of this variant in disease conclusively. Therefore, this variant is classified as a Variant of Uncertain Significance.

Blueprint Genetics
Classification: Likely benign. Last evaluated: 2023-09-14. Review status: criteria provided, single submitter. Criteria: ACMG Guidelines, 2015. Collection method: clinical testing. Allele origin: germline.

Ambry Genetics
Classification: Likely benign for Cardiovascular phenotype. Last evaluated: 2022-10-25. Review status: criteria provided, single submitter. Criteria: Ambry Variant Classification Scheme 2023. Collection method: clinical testing. Allele origin: germline.

Women's Health and Genetics/Laboratory Corporation of America, LabCorp
Classification: Likely benign. Last evaluated: 2021-03-11. Review status: criteria provided, single submitter. Criteria: LabCorp Variant Classification Summary - May 2015. Collection method: clinical testing. Allele origin: germline.
Comment: Variant summary: MYBPC3 c.94G>A (p.Glu32Lys) results in a conservative amino acid change located in the Immunoglobulin I-set (IPR013098) of the encoded protein sequence. Three of five in-silico tools predict a damaging effect of the variant on protein function. The variant allele was found at a frequency of 0.00016 in 272046 control chromosomes, predominantly at a frequency of 0.0011 within the Latino subpopulation in the gnomAD database, including 1 homozygote. The observed variant frequency within Latino control individuals in the gnomAD database is approximately 1.1 fold of the estimated maximal expected allele frequency for a pathogenic variant in MYBPC3 causing Cardiomyopathy phenotype (0.001), strongly suggesting that the variant is a benign polymorphism found primarily in populations of Latino origin. c.94G>A has been reported in the literature (Claes_2016). This report however, does not provide unequivocal conclusions about association of the variant with Cardiomyopathy. To our knowledge, no experimental evidence demonstrating an impact on protein function has been reported. Co-occurrence with another likely pathogenic variant has been reported (TTN c.43732C>T, p.Gln14578Ter) in our internal database, providing supporting evidence for a benign role. Two other ClinVar submitters (evaluation after 2014) cite the variant as uncertain significance (n=1) or likely benign (n=1). Based on the evidence outlined above, the variant was classified as likely benign.

Stanford Center for Inherited Cardiovascular Disease, Stanford University
Classification: Uncertain significance. Last evaluated: 2014-07-05. Review status: criteria provided, single submitter. Criteria: ACMG Guidelines, 2015. Collection method: provider interpretation. Allele origin: germline.

Literature cited by the submitters: PubMed 26497160 (cited by 4 submitters).